The following is an entry in ClinVar:

ClinVar aggregate classification (germline): Uncertain significance (1 of 4 stars; one submission).

Conditions:
Hereditary cancer-predisposing syndrome. Also called: Tumor predisposition; Neoplastic Syndromes, Hereditary; Hereditary Cancer Syndrome; Hereditary neoplastic syndrome. Identifiers: Orphanet 140162, MedGen C0027672, MeSH D009386, MONDO:0015356.

Submission:

Ambry Genetics
Classification: Uncertain significance for Hereditary cancer-predisposing syndrome. Last evaluated: 2022-04-21. Review status: criteria provided, single submitter. Criteria: Ambry Variant Classification Scheme 2023. Collection method: clinical testing. Allele origin: germline.
Comment: The p.Y1057F variant (also known as c.3170A>T), located in coding exon 23 of the MSH3 gene, results from an A to T substitution at nucleotide position 3170. The tyrosine at codon 1057 is replaced by phenylalanine, an amino acid with highly similar properties. This amino acid position is highly conserved in available vertebrate species. In addition, the in silico prediction for this alteration is inconclusive. Since supporting evidence is limited at this time, the clinical significance of this alteration remains unclear.

NM_002439.5(MSH3):c.3170A>T (p.Tyr1057Phe)

Gene: MSH3 (mutS homolog 3; plus strand). Cytogenetic location: 5q14.1.
Variant type: single nucleotide variant.
Coding change: c.3170A>T on transcript NM_002439.5 (MANE Select); coding-DNA position 3170, A replaced by T.
Protein change: p.Tyr1057Phe; replaces tyrosine 1057 with phenylalanine.
Molecular consequence: missense variant.
Genome position (GRCh38, 1-based): chr5:80,873,155, A>T. VCF-style: chr5-80873155-A-T. GRCh37 (hg19) VCF-style: chr5-80168974-A-T.
Other names: short protein forms Y1057F.
Identifiers: ClinVar variation 1728428 (VCV001728428.2), dbSNP rs2478804979, ClinGen allele CA360346865.